The following is an entry in ClinVar:

NM_001261826.3(AP3D1):c.2660C>T (p.Pro887Leu)

Gene: AP3D1 (adaptor related protein complex 3 subunit delta 1; minus strand). Cytogenetic location: 19p13.3.
Variant type: single nucleotide variant.
Coding change: c.2660C>T on transcript NM_001261826.3 (MANE Select); coding-DNA position 2660, C replaced by T.
Protein change: p.Pro887Leu; replaces proline 887 with leucine.
Molecular consequence: missense variant. On other transcripts: intron variant (1).
Genome position (GRCh38, 1-based): chr19:2,113,355, G>A on the plus strand (C>T on the coding strand, the complement: AP3D1 is on the minus strand). VCF-style: chr19-2113355-G-A. GRCh37 (hg19) VCF-style: chr19-2113354-G-A.
Other names: c.2660C>T, p.Pro887Leu (NM_001374799.1); c.2601+770C>T (NM_003938.8); short protein forms P887L.
Identifiers: ClinVar variation 2170737 (VCV002170737.4), dbSNP rs533823919, ClinGen allele CA9058785.

ClinVar aggregate classification (germline): Uncertain significance (1 of 4 stars; one submission).

Allele frequency attached by ClinVar (database versions not stated): ExAC 0.00034; gnomAD 0.00007; 1000 Genomes Project 0.00020.
gnomAD v4.1: 25 of 1,452,806 alleles (0.0017%); highest among the groups gnomAD compares: African/African-American, 0.025%; no homozygotes.

Submission:

Labcorp Genetics (formerly Invitae), Labcorp
Classification: Uncertain significance. Last evaluated: 2025-10-21. Review status: criteria provided, single submitter. Criteria: Invitae Variant Classification Sherloc (09022015). Collection method: clinical testing. Allele origin: germline.
Comment: This sequence change replaces proline, which is neutral and non-polar, with leucine, which is neutral and non-polar, at codon 887 of the AP3D1 protein (p.Pro887Leu). The frequency data for this variant in the population databases is considered unreliable, as metrics indicate poor data quality at this position in the gnomAD database. This variant has not been reported in the literature in individuals affected with AP3D1-related conditions. ClinVar contains an entry for this variant (Variation ID: 2170737). An algorithm developed to predict the effect of missense changes on protein structure and function (PolyPhen-2) suggests that this variant is likely to be tolerated. In summary, the available evidence is currently insufficient to determine the role of this variant in disease. Therefore, it has been classified as a Variant of Uncertain Significance.